The following is an entry in ClinVar:

ClinVar aggregate classification (germline): Conflicting classifications of pathogenicity. Review status: criteria provided, conflicting classifications (1 of 4 stars). 3 submissions from 3 submitters: Uncertain significance (2); Likely benign (1). Last evaluated 2026-07-06.

Conditions:
Hypertriglyceridemia 1. Also called: Hypertriglyceridemia, familial. Identifiers: MedGen C5444012, MONDO:0007788, OMIM 145750.
Familial type 5 hyperlipoproteinemia. Also called: HYPERCHYLOMICRONEMIA WITH HYPERPREBETALIPOPROTEINEMIA, FAMILIAL; Hyperlipoproteinemia Type V. Identifiers: Orphanet 530849, MedGen C0020481, MONDO:0007762, OMIM 144650.
Cardiovascular phenotype. Identifiers: MedGen CN230736.

Allele frequency attached by ClinVar (database versions not stated): ExAC 0.00012; ESP Exome Variant Server 0.00064; gnomAD 0.00076; TOPMed 0.00078; 1000 Genomes Project 30x 0.00031.
gnomAD v4.1: 234 of 1,600,410 alleles (0.015%); highest among the groups gnomAD compares: African/African-American, 0.26%; 2 homozygotes.

Submissions (3):

Ambry Genetics
Classification: Uncertain significance for Cardiovascular phenotype. Last evaluated: 2026-07-06. Review status: criteria provided, single submitter. Criteria: Ambry Variant Classification Scheme 2023. Collection method: clinical testing. Allele origin: germline.
Comment: The c.644C>T (p.P215L) alteration is located in exon 4 (coding exon 3) of the APOA5 gene. This alteration results from a C to T substitution at nucleotide position 644, causing the proline (P) at amino acid position 215 to be replaced by a leucine (L). Based on data from gnomAD, the T allele has an overall frequency of 0.022% (56/255592) total alleles studied. The highest observed frequency was 0.216% (48/22188) of African alleles. Based on insufficient or conflicting evidence, the clinical significance of this alteration remains unclear.

Labcorp Genetics (formerly Invitae), Labcorp
Classification: Likely benign. Last evaluated: 2026-01-23. Review status: criteria provided, single submitter. Criteria: Invitae Variant Classification Sherloc (09022015). Collection method: clinical testing. Allele origin: germline.

New York Genome Center
Classification: Uncertain significance for Familial type 5 hyperlipoproteinemia; Hypertriglyceridemia 1. Last evaluated: 2022-01-14. Review status: criteria provided, single submitter. Criteria: NYGC Assertion Criteria 2020. Collection method: clinical testing. Allele origin: germline. Observed: 1 heterozygote.

Literature cited by the submitters: PubMed 24788417 (cited by Ambry Genetics); PubMed 25487149 (cited by Ambry Genetics); PubMed 36325899 (cited by Ambry Genetics).

NM_001371904.1(APOA5):c.644C>T (p.Pro215Leu)

Gene: APOA5 (apolipoprotein A5; minus strand). Cytogenetic location: 11q23.3.
Variant type: single nucleotide variant.
Coding change: c.644C>T on transcript NM_001371904.1 (MANE Select); coding-DNA position 644, C replaced by T.
Protein change: p.Pro215Leu; replaces proline 215 with leucine.
Molecular consequence: missense variant.
Genome position (GRCh38, 1-based): chr11:116,790,585, G>A on the plus strand (C>T on the coding strand, the complement: APOA5 is on the minus strand). VCF-style: chr11-116790585-G-A. GRCh37 (hg19) VCF-style: chr11-116661301-G-A.
Other names: c.644C>T, p.Pro215Leu (NM_001166598.2, NM_052968.5); c.644C>T (NM_052968.4); short protein forms P215L.
Identifiers: ClinVar variation 2137252 (VCV002137252.9), dbSNP rs76753536, ClinGen allele CA6289029.
Genomic context (GRCh38, chr11:116,790,585, plus strand): 5'-AGCTTCCGGGAGAGCACCTGCACGCAGCGACTGAGGCGCGCGGGGCTGGCGGGGGCGTGC[G>A]GAGCCACACTGCGGTGCAGCTCCTGCACGTGGCGCCCGATGCCGCTCACCAGGCTCTCGG-3'
Protein context (NP_001358833.1, residues 205-225): HVQELHRSVA[Pro215Leu]HAPASPARLS